The following is an entry in ClinVar:

NM_006231.4(POLE):c.3344_3351del (p.Lys1115fs)

Gene: POLE (DNA polymerase epsilon, catalytic subunit; minus strand). Cytogenetic location: 12q24.33.
Variant type: Deletion.
Coding change: c.3344_3351del on transcript NM_006231.4 (MANE Select); coding-DNA positions 3344 to 3351, 8 bases deleted (AGAGCTCT; older notation c.3344_3351delAGAGCTCT).
Protein change: p.Lys1115fs; shifts the reading frame from lysine 1115.
Molecular consequence: frameshift variant.
Genome position (GRCh38, 1-based): chr12:132,657,895-132,657,902, AGAGCTCT deleted on the plus strand (AGAGCTCT on the coding strand, the reverse complement: POLE is on the minus strand). VCF-style (leftmost placement, unchanged base first): chr12-132657894-AAGAGCTCT-A. GRCh37 (hg19) VCF-style: chr12-133234480-AAGAGCTCT-A.
Other names: c.3344_3351delAGAGCTCT (NM_006231.2); short protein forms K1115fs.
Identifiers: ClinVar variation 1040225 (VCV001040225.9), dbSNP rs2042581336, ClinGen allele CA2072993708.

ClinVar aggregate classification (germline): Conflicting classifications of pathogenicity. Review status: criteria provided, conflicting classifications (1 of 4 stars). 2 submissions from 2 submitters: Pathogenic (1); Uncertain significance (1). Last evaluated 2026-06-25.

Conditions:
Hereditary cancer-predisposing syndrome. Also called: Tumor predisposition; Hereditary Cancer Syndrome; Hereditary neoplastic syndrome; Neoplastic Syndromes, Hereditary. Identifiers: Orphanet 140162, MedGen C0027672, MeSH D009386, MONDO:0015356.

Submissions (2):

Ambry Genetics
Classification: Uncertain significance for Hereditary cancer-predisposing syndrome. Last evaluated: 2026-06-25. Review status: criteria provided, single submitter. Criteria: Ambry Variant Classification Scheme 2023. Collection method: clinical testing. Allele origin: germline.
Comment: The c.3344_3351delAGAGCTCT variant, located in coding exon 27 of the POLE gene, results from a deletion of 8 nucleotides at nucleotide positions 3344 to 3351, causing a translational frameshift with a predicted alternate stop codon (p.K1115Ifs*6). This alteration is expected to result in loss of function by premature protein truncation or nonsense-mediated mRNA decay. Although biallelic loss of function of POLE has been associated with autosomal recessive POLE deficiency, haploinsufficiency of POLE has not been established as a mechanism of disease for POLE-related polymerase proofreading-associated polyposis (PPAP) and POLE-related CMMRD-like syndrome. Based on the supporting evidence, this variant is expected to be causative of POLE deficiency when present along with a second pathogenic variant on the other allele; however, its clinical significance for PPAP and POLE-related CMMRD-like syndrome is unclear.

Labcorp Genetics (formerly Invitae), Labcorp
Classification: Pathogenic. Last evaluated: 2022-05-12. Review status: criteria provided, single submitter. Criteria: Invitae Variant Classification Sherloc (09022015). Collection method: clinical testing. Allele origin: germline.
Comment: This variant has not been reported in the literature in individuals affected with POLE-related conditions. For these reasons, this variant has been classified as Pathogenic. ClinVar contains an entry for this variant (Variation ID: 1040225). This variant is not present in population databases (gnomAD no frequency). This sequence change creates a premature translational stop signal (p.Lys1115Ilefs*6) in the POLE gene. It is expected to result in an absent or disrupted protein product. Loss-of-function variants in POLE are known to be pathogenic (PMID: 23230001, 25948378, 30503519).

Literature cited by the submitters: PubMed 23230001 (cited by Labcorp Genetics (formerly Invitae), Labcorp); PubMed 25948378 (cited by Labcorp Genetics (formerly Invitae), Labcorp); PubMed 30503519 (cited by Labcorp Genetics (formerly Invitae), Labcorp).